The following is an entry in ClinVar:

NM_004304.5(ALK):c.2158C>G (p.Leu720Val)

Gene: ALK (ALK receptor tyrosine kinase; minus strand). Cytogenetic location: 2p23.2.
Variant type: single nucleotide variant.
Coding change: c.2158C>G on transcript NM_004304.5 (MANE Select); coding-DNA position 2158, C replaced by G.
Protein change: p.Leu720Val; replaces leucine 720 with valine.
Molecular consequence: missense variant.
Genome position (GRCh38, 1-based): chr2:29,251,151, G>C on the plus strand (C>G on the coding strand, the complement: ALK is on the minus strand). VCF-style: chr2-29251151-G-C. GRCh37 (hg19) VCF-style: chr2-29474017-G-C.
Other names: short protein forms L720V.
Identifiers: ClinVar variation 3223820 (VCV003223820.1), dbSNP rs774579604, ClinGen allele CA346476839.
Genomic context (GRCh38, chr2:29,251,151, plus strand): 5'-TCTTCCATACGCACCTGTAGGTGTCGGTGGCTGGCACCTTCCAGATCTGGATGCCTTTCA[G>C]GGGGCCCTCGCTCCCCACCTCCACGCTCAGGTTGGAGTTCTGGTAGGCGTTGTTGCACTG-3'
Protein context (NP_004295.2, residues 710-730): LSVEVGSEGP[Leu720Val]KGIQIWKVPA

ClinVar aggregate classification (germline): Uncertain significance (1 of 4 stars; one submission).

Conditions:
Hereditary cancer-predisposing syndrome. Also called: Tumor predisposition; Hereditary neoplastic syndrome; Hereditary Cancer Syndrome; Neoplastic Syndromes, Hereditary. Identifiers: Orphanet 140162, MedGen C0027672, MeSH D009386, MONDO:0015356.

Allele frequency attached by ClinVar (database versions not stated): TOPMed 0.00001.
gnomAD v4.1: 3 of 1,614,012 alleles (0.00019%); highest among the groups gnomAD compares: Admixed American, 0.0033%; no homozygotes.

Submission:

Ambry Genetics
Classification: Uncertain significance for Hereditary cancer-predisposing syndrome. Last evaluated: 2023-10-29. Review status: criteria provided, single submitter. Criteria: Ambry Variant Classification Scheme 2023. Collection method: clinical testing. Allele origin: germline.
Comment: The p.L720V variant (also known as c.2158C>G), located in coding exon 12 of the ALK gene, results from a C to G substitution at nucleotide position 2158. The leucine at codon 720 is replaced by valine, an amino acid with highly similar properties. This amino acid position is conserved. In addition, the in silico prediction for this alteration is inconclusive. Since supporting evidence is limited at this time, the clinical significance of this alteration remains unclear.